The following is an entry in ClinVar:

NC_012920.1(MT-ND2):m.5190A>G

Gene: MT-ND2 (mitochondrially encoded NADH dehydrogenase 2; plus strand).
Variant type: single nucleotide variant.
Genome position: chrM-5190-A-G.
Identifiers: ClinVar variation 692553 (VCV000692553.1), dbSNP rs1603219819, ClinGen allele CA414779262.
Genomic context (GRCh38, chrMT:5,190, plus strand): 5'-TTAAACTCCAGCACCACGACCCTACTACTATCTCGCACCTGAAACAAGCTAACATGACTA[A>G]CACCCTTAATTCCATCCACCCTCCTCTCCCTAGGAGGCCTGCCCCCGCTAACCGGCTTTT-3'

ClinVar aggregate classification (germline): Uncertain significance (1 of 4 stars; one submission).

Conditions:
Leigh syndrome (NULS). Also called: Leigh's necrotizing encephalopathy; Leigh's disease; Leigh Syndrome (mtDNA deletion); Leigh Disease; Subacute necrotizing encephalopathy; Necrotizing encephalopathy infantile subacute of Leigh. Identifiers: Orphanet 506, MedGen C2931891, MONDO:0009723, OMIM 256000.

Submission:

Wong Mito Lab, Molecular and Human Genetics, Baylor College of Medicine
Classification: Uncertain significance for Leigh syndrome. Last evaluated: 2019-10-17. Review status: criteria provided, single submitter. Criteria: Modified ACMG Guidelines (Unpublished). Collection method: clinical testing. Allele origin: germline.
Comment: The NC_012920.1:m.5190A>G (YP_003024027.1:p.Thr241Ala) variant in MTND2 gene is interpretated to be a Uncertain Significance variant based on the modified ACMG guidelines (unpublished). This variant meets the following evidence codes: BP4